The following is an entry in ClinVar:

ClinVar aggregate classification (germline): Likely benign (1 of 4 stars; one submission).

Submission:

CeGaT Center for Human Genetics Tuebingen
Classification: Likely benign. Last evaluated: 2022-12-01. Review status: criteria provided, single submitter. Criteria: CeGaT Center For Human Genetics Tuebingen Variant Classification Criteria Version 2. Collection method: clinical testing. Allele origin: germline. Affected: yes. Observed: 1 variant allele.
Comment: TRAM1L1: PM2:Supporting, BP4, BP7

NM_152402.3(TRAM1L1):c.984T>C (p.Asn328=)

Gene: TRAM1L1 (translocation associated membrane protein 1 like 1; minus strand). Cytogenetic location: 4q26.
Variant type: single nucleotide variant.
Coding change: c.984T>C on transcript NM_152402.3 (MANE Select); coding-DNA position 984, T replaced by C.
Protein change: p.Asn328=; no amino-acid change (asparagine 328 retained).
Molecular consequence: synonymous variant.
Genome position (GRCh38, 1-based): chr4:117,084,410, A>G on the plus strand (T>C on the coding strand, the complement: TRAM1L1 is on the minus strand). VCF-style: chr4-117084410-A-G. GRCh37 (hg19) VCF-style: chr4-118005566-A-G.
Identifiers: ClinVar variation 2655050 (VCV002655050.24), dbSNP rs2529985693, ClinGen allele CA441117899.